The following is an entry in ClinVar:

NM_000535.7(PMS2):c.1690G>T (p.Val564Phe)

Gene: PMS2 (PMS1 homolog 2, mismatch repair system component; minus strand). Cytogenetic location: 7p22.1.
Variant type: single nucleotide variant.
Coding change: c.1690G>T on transcript NM_000535.7 (MANE Select); coding-DNA position 1690, G replaced by T.
Protein change: p.Val564Phe; replaces valine 564 with phenylalanine.
Molecular consequence: missense variant. On other transcripts: non-coding transcript variant (1), intron variant (1).
Genome position (GRCh38, 1-based): chr7:5,987,075, C>A on the plus strand (G>T on the coding strand, the complement: PMS2 is on the minus strand). VCF-style: chr7-5987075-C-A. GRCh37 (hg19) VCF-style: chr7-6026706-C-A.
Other names: c.1285G>T, p.Val429Phe (NM_001322003.2, NM_001322004.2, NM_001322005.2 and 16 more transcripts); c.1534G>T, p.Val512Phe (NM_001322006.2, NM_001406870.1); c.1372G>T, p.Val458Phe (NM_001322007.2, NM_001322008.2, NM_001406883.1 and 2 more transcripts); c.1129G>T, p.Val377Phe (NM_001322010.2, NM_001406906.1, NM_001406907.1); c.757G>T, p.Val253Phe (NM_001322011.2, NM_001322012.2); c.1117G>T, p.Val373Phe (NM_001322013.2, NM_001406909.1); c.1690G>T, p.Val564Phe (NM_001322014.2, NM_001406871.1, NM_001406872.1); c.1381G>T, p.Val461Phe (NM_001322015.2, NM_001406875.1, NM_001406877.1 and 5 more transcripts); and 13 more; short protein forms V253F, V307F, V373F, V377F, V393F, V406F, V409F, V429F.
Identifiers: ClinVar variation 4862091 (VCV004862091.1).

ClinVar aggregate classification (germline): Uncertain significance (1 of 4 stars; one submission).

Conditions:
Hereditary cancer-predisposing syndrome. Also called: Neoplastic Syndromes, Hereditary; Tumor predisposition; Hereditary Cancer Syndrome; Hereditary neoplastic syndrome. Identifiers: Orphanet 140162, MedGen C0027672, MeSH D009386, MONDO:0015356.

Submission:

Ambry Genetics
Classification: Uncertain significance for Hereditary cancer-predisposing syndrome. Last evaluated: 2026-03-23. Review status: criteria provided, single submitter. Criteria: Ambry Variant Classification Scheme 2023. Collection method: clinical testing. Allele origin: germline.
Comment: The p.V564F variant (also known as c.1690G>T), located in coding exon 11 of the PMS2 gene, results from a G to T substitution at nucleotide position 1690. The valine at codon 564 is replaced by phenylalanine, an amino acid with highly similar properties. This amino acid position is conserved. In addition, this alteration is predicted to be tolerated by in silico analysis. Based on the available evidence, the clinical significance of this variant remains unclear.